The following is an entry in ClinVar:

ClinVar aggregate classification (germline): Uncertain significance (1 of 4 stars; one submission).

Conditions:
Hereditary cancer-predisposing syndrome. Also called: Neoplastic Syndromes, Hereditary; Tumor predisposition; Hereditary neoplastic syndrome; Hereditary Cancer Syndrome. Identifiers: Orphanet 140162, MedGen C0027672, MeSH D009386, MONDO:0015356.

Submission:

Ambry Genetics
Classification: Uncertain significance for Hereditary cancer-predisposing syndrome. Last evaluated: 2025-01-20. Review status: criteria provided, single submitter. Criteria: Ambry Variant Classification Scheme 2023. Collection method: clinical testing. Allele origin: germline.
Comment: The c.4910-941G>A intronic alteration consists of a G to A substitution 941 nucleotides before coding exon 32 in the ATM gene. Based on insufficient or conflicting evidence, the clinical significance of this alteration remains unclear.

NM_000051.4(ATM):c.4910-941G>A

Gene: ATM (ATM serine/threonine kinase; plus strand). Cytogenetic location: 11q22.3.
Variant type: single nucleotide variant.
Coding change: c.4910-941G>A on transcript NM_000051.4 (MANE Select); 941 bases into the intron before coding-DNA position 4910, G replaced by A.
Molecular consequence: intron variant.
Genome position (GRCh38, 1-based): chr11:108,296,346, G>A. VCF-style: chr11-108296346-G-A. GRCh37 (hg19) VCF-style: chr11-108167073-G-A.
Other names: c.4910-941G>A (NM_001351834.2).
Identifiers: ClinVar variation 3131073 (VCV003131073.2), dbSNP rs2546950310, ClinGen allele CA2825001893.